The following is an entry in ClinVar:

ClinVar aggregate classification (germline): Uncertain significance (1 of 4 stars; one submission).

Conditions:
Nephronophthisis 16 (NPHP16). Identifiers: Orphanet 655, MedGen C3809320, MONDO:0014158, OMIM 615382.

gnomAD v4.1: 1 of 1,036,484 alleles (0.000096%); highest among the groups gnomAD compares: Non-Finnish European, 0.00012%; no homozygotes.

Submission:

Labcorp Genetics (formerly Invitae), Labcorp
Classification: Uncertain significance for Nephronophthisis 16. Last evaluated: 2024-07-08. Review status: criteria provided, single submitter. Criteria: Invitae Variant Classification Sherloc (09022015). Collection method: clinical testing. Allele origin: germline.
Comment: This sequence change replaces glycine, which is neutral and non-polar, with valine, which is neutral and non-polar, at codon 40 of the ANKS6 protein (p.Gly40Val). This variant is not present in population databases (gnomAD no frequency). This variant has not been reported in the literature in individuals affected with ANKS6-related conditions. Algorithms developed to predict the effect of missense changes on protein structure and function output the following: SIFT: "Not Available"; PolyPhen-2: "Benign"; Align-GVGD: "Not Available". The valine amino acid residue is found in multiple mammalian species, which suggests that this missense change does not adversely affect protein function. In summary, the available evidence is currently insufficient to determine the role of this variant in disease. Therefore, it has been classified as a Variant of Uncertain Significance.

NM_173551.5(ANKS6):c.119G>T (p.Gly40Val)

Gene: ANKS6 (ankyrin repeat and sterile alpha motif domain containing 6; minus strand). Cytogenetic location: 9q22.33.
Variant type: single nucleotide variant.
Coding change: c.119G>T on transcript NM_173551.5 (MANE Select); coding-DNA position 119, G replaced by T.
Protein change: p.Gly40Val; replaces glycine 40 with valine.
Molecular consequence: missense variant.
Genome position (GRCh38, 1-based): chr9:98,796,373, C>A on the plus strand (G>T on the coding strand, the complement: ANKS6 is on the minus strand). VCF-style: chr9-98796373-C-A. GRCh37 (hg19) VCF-style: chr9-101558655-C-A.
Other names: short protein forms G40V.
Identifiers: ClinVar variation 3686363 (VCV003686363.2).
Genomic context (GRCh38, chr9:98,796,373, plus strand): 5'-GCGGCCCCGGGCCCGGCCACCTCGGCCCCCGCCGGCTCCGCGCCCGCCTCCGGCTCCGCG[C>A]CGCGCTCGGCTGGCTCCGCCGCCCCCGGCTCCAGCAGCCGCCGCGCCGTCTCCGTGTCGC-3'
Protein context (NP_775822.3, residues 30-50): EPGAAEPAER[Gly40Val]AEPEAGAEPA